The following is an entry in ClinVar:

NM_201384.3(PLEC):c.10120G>A (p.Ala3374Thr)

Gene: PLEC (plectin; minus strand). Cytogenetic location: 8q24.3.
Variant type: single nucleotide variant.
Coding change: c.10120G>A on transcript NM_201384.3 (MANE Select); coding-DNA position 10120, G replaced by A.
Protein change: p.Ala3374Thr; replaces alanine 3374 with threonine.
Molecular consequence: missense variant.
Genome position (GRCh38, 1-based): chr8:143,919,701, C>T on the plus strand (G>A on the coding strand, the complement: PLEC is on the minus strand). VCF-style: chr8-143919701-C-T. GRCh37 (hg19) VCF-style: chr8-144993869-C-T.
Other names: c.10201G>A, p.Ala3401Thr (NM_000445.5); c.10078G>A, p.Ala3360Thr (NM_201378.4); c.10054G>A, p.Ala3352Thr (NM_201379.3); c.10531G>A, p.Ala3511Thr (NM_201380.4); c.10024G>A, p.Ala3342Thr (NM_201381.3); c.10120G>A, p.Ala3374Thr (NM_201382.4); c.10132G>A, p.Ala3378Thr (NM_201383.3); short protein forms A3352T, A3374T, A3511T, A3342T, A3401T, A3360T, A3378T.
Identifiers: ClinVar variation 1444305 (VCV001444305.8), dbSNP rs782210150, ClinGen allele CA4924747.
Genomic context (GRCh38, chr8:143,919,701, plus strand): 5'-CCGCCTGCGCCTCCAGCAGGAGCGCAGCCGTTGTGGCTCTCAGCAGGCCCCGGCGCATGG[C>T]CTCGTAGATGGACACCTTCTCCTTGGTGTCCTCCAGGTAGATGCCGGCGAGGCAGCCACT-3'
Protein context (NP_958786.1, residues 3364-3384): DTKEKVSIYE[Ala3374Thr]MRRGLLRATT

ClinVar aggregate classification (germline): Uncertain significance (1 of 4 stars; one submission).

Conditions:
Epidermolysis bullosa simplex 5B, with muscular dystrophy (EBS5B). Also called: Epidermolysis bullosa simplex with muscular dystrophy; EPIDERMOLYSIS BULLOSA SIMPLEX AND LIMB-GIRDLE MUSCULAR DYSTROPHY. Identifiers: Orphanet 257, MedGen C2931072, MONDO:0009181, OMIM 226670.
Epidermolysis bullosa simplex, Ogna type (EBS5A). Also called: Pidermolysis bullosa simplex 5A, Ogna type; EPIDERMOLYSIS BULLOSA SIMPLEX 5A, OGNA TYPE. Identifiers: Orphanet 79401, MedGen C0432317, MONDO:0007555, OMIM 131950.
Epidermolysis bullosa simplex with nail dystrophy (EBS5D). Identifiers: MedGen C4225309, MONDO:0014661, OMIM 616487.
Epidermolysis bullosa simplex 5C, with pyloric atresia (EBS5C). Also called: Epidermolysis bullosa simplex with pyloric atresia; PLEC-Related Epidermolysis Bullosa with Pyloric Atresia; PLEC1-Related Epidermolysis Bullosa with Pyloric Atresia. Identifiers: Orphanet 158684, MedGen C2677349, MONDO:0012807, OMIM 612138.
Autosomal recessive limb-girdle muscular dystrophy type 2Q (LGMDR17). Also called: MUSCULAR DYSTROPHY, LIMB-GIRDLE, AUTOSOMAL RECESSIVE 17. Identifiers: Orphanet 254361, MedGen C3150989, MONDO:0013390, OMIM 613723.

Allele frequency attached by ClinVar (database versions not stated): gnomAD exomes 0.00001; TOPMed 0.00002; gnomAD 0.00003.
gnomAD v4.1: 20 of 1,603,798 alleles (0.0012%); highest among the groups gnomAD compares: Non-Finnish European, 0.0017%; no homozygotes.

Submission:

Labcorp Genetics (formerly Invitae), Labcorp
Classification: Uncertain significance for Autosomal recessive limb-girdle muscular dystrophy type 2Q; Epidermolysis bullosa simplex, Ogna type; Epidermolysis bullosa simplex with nail dystrophy; Epidermolysis bullosa simplex 5C, with pyloric atresia; Epidermolysis bullosa simplex 5B, with muscular dystrophy. Last evaluated: 2025-10-02. Review status: criteria provided, single submitter. Criteria: Invitae Variant Classification Sherloc (09022015). Collection method: clinical testing. Allele origin: germline.
Comment: This sequence change replaces alanine, which is neutral and non-polar, with threonine, which is neutral and polar, at codon 3401 of the PLEC protein (p.Ala3401Thr). This variant is present in population databases (rs782210150, gnomAD 0.002%). This variant has not been reported in the literature in individuals affected with PLEC-related conditions. ClinVar contains an entry for this variant (Variation ID: 1444305). Invitae Evidence Modeling of protein sequence and biophysical properties (such as structural, functional, and spatial information, amino acid conservation, physicochemical variation, residue mobility, and thermodynamic stability) indicates that this missense variant is expected to disrupt PLEC protein function with a positive predictive value of 80%. In summary, the available evidence is currently insufficient to determine the role of this variant in disease. Therefore, it has been classified as a Variant of Uncertain Significance.